The following is an entry in ClinVar:

ClinVar aggregate classification (germline): Uncertain significance (1 of 4 stars; one submission).

Submission:

CeGaT Center for Human Genetics Tuebingen
Classification: Uncertain significance. Last evaluated: 2024-01-01. Review status: criteria provided, single submitter. Criteria: CeGaT Center For Human Genetics Tuebingen Variant Classification Criteria Version 2. Collection method: clinical testing. Allele origin: germline. Affected: yes. Observed: 1 variant allele.
Comment: ASXL3: PM2

NM_030632.3(ASXL3):c.193G>A (p.Gly65Arg)

Gene: ASXL3 (ASXL transcriptional regulator 3; plus strand). Cytogenetic location: 18q12.1.
Variant type: single nucleotide variant.
Coding change: c.193G>A on transcript NM_030632.3 (MANE Select); coding-DNA position 193, G replaced by A.
Protein change: p.Gly65Arg; replaces glycine 65 with arginine.
Molecular consequence: missense variant.
Genome position (GRCh38, 1-based): chr18:33,644,949, G>A. VCF-style: chr18-33644949-G-A. GRCh37 (hg19) VCF-style: chr18-31224913-G-A.
Other names: short protein forms G65R.
Identifiers: ClinVar variation 3026984 (VCV003026984.22), dbSNP rs2510903550, ClinGen allele CA402161536.
Genomic context (GRCh38, chr18:33,644,949, plus strand): 5'-TCTAGTGGAACCTCTCCATTAGCCTGTCTGAATGCAATGCTTCACACTAACACTCGAATA[G>A]GGGATGGAACATTCTTCAAAATCCCTGGAAAGTCAGGCCTCTATGCTCTCAAAGTAAGTT-3'
Protein context (NP_085135.1, residues 55-75): NAMLHTNTRI[Gly65Arg]DGTFFKIPGK